The following is an entry in ClinVar:

NM_000143.4(FH):c.27G>A (p.Ala9=)

Gene: FH (fumarate hydratase; minus strand). Cytogenetic location: 1q43.
Variant type: single nucleotide variant.
Coding change: c.27G>A on transcript NM_000143.4 (MANE Select); coding-DNA position 27, G replaced by A.
Protein change: p.Ala9=; no amino-acid change (alanine 9 retained).
Molecular consequence: synonymous variant.
Genome position (GRCh38, 1-based): chr1:241,519,696, C>T on the plus strand (G>A on the coding strand, the complement: FH is on the minus strand). VCF-style: chr1-241519696-C-T. GRCh37 (hg19) VCF-style: chr1-241682996-C-T.
Identifiers: ClinVar variation 460349 (VCV000460349.17), dbSNP rs983362570, ClinGen allele CA40338095.

ClinVar aggregate classification (germline): Benign/Likely benign. Review status: criteria provided, multiple submitters, no conflicts (2 of 4 stars). 3 submissions from 3 submitters: Benign (1); Likely benign (2). Last evaluated 2025-12-15.

Conditions:
Hereditary cancer-predisposing syndrome. Also called: Tumor predisposition; Hereditary neoplastic syndrome; Neoplastic Syndromes, Hereditary; Hereditary Cancer Syndrome. Identifiers: Orphanet 140162, MedGen C0027672, MeSH D009386, MONDO:0015356.
Hereditary leiomyomatosis and renal cell cancer. Also called: Familial leiomyomatosis; MULTIPLE CUTANEOUS AND UTERINE LEIOMYOMATA 1, WITH OR WITHOUT RENAL CELL CARCINOMA; Multiple cutaneous leiomyomas; Reed syndrome; Multiple cutaneous and uterine leiomyomatosis; Cutaneous leiomyomata with uterine leiomyomata. Identifiers: Orphanet 523, MedGen C1708350, MONDO:0007888, OMIM 150800, HP:0007437. Disease mechanism: loss of function.

Allele frequency attached by ClinVar (database versions not stated): gnomAD exomes below 0.00001 and 0.00001; TOPMed 0.00001; gnomAD 0.00002.

Submissions (3):

Labcorp Genetics (formerly Invitae), Labcorp
Classification: Likely benign. Last evaluated: 2025-12-15. Review status: criteria provided, single submitter. Criteria: Invitae Variant Classification Sherloc (09022015). Collection method: clinical testing. Allele origin: germline.

Myriad Genetics, Inc.
Classification: Benign for Hereditary leiomyomatosis and renal cell cancer. Last evaluated: 2024-10-17. Review status: criteria provided, single submitter. Criteria: Myriad Autosomal Dominant, Autosomal Recessive and X-Linked Classification Criteria (2023). Collection method: clinical testing. Allele origin: unknown.
Comment: This variant is considered benign. This variant is a silent/synonymous amino acid change and it is not expected to impact splicing.

Ambry Genetics
Classification: Likely benign for Hereditary cancer-predisposing syndrome. Last evaluated: 2017-08-31. Review status: criteria provided, single submitter. Criteria: Ambry Variant Classification Scheme 2023. Collection method: clinical testing. Allele origin: germline.